The following is an entry in ClinVar:

ClinVar aggregate classification (germline): Likely benign. Review status: reviewed by expert panel (3 of 4 stars). 3 submissions from 3 submitters: Likely benign (1). 2 of the submissions do not count toward it. Last evaluated 2024-09-10.

Conditions:
Hereditary thrombocytopenia and hematologic cancer predisposition syndrome. Identifiers: Orphanet 71290, MedGen CN281654, MONDO:0011071.
Hereditary thrombocytopenia and hematological cancer predisposition syndrome associated with RUNX1. Also called: Familial Platelet Disorder with Propensity to Acute Myelogenous Leukemia; Familial thrombocytopenia with propensity to acute myelogenous leukemia; PLATELET DISORDER, ASPIRIN-LIKE; RUNX1 Familial Platelet Disorder with Associated Myeloid Malignancies. Identifiers: Orphanet 71290, MedGen C1832388, MeSH C563324, MONDO:0100083, OMIM 601399.
Inborn genetic diseases. Identifiers: MedGen C0950123, MeSH D030342.

Allele frequency attached by ClinVar (database versions not stated): gnomAD exomes 0.00001.
gnomAD v4.1: 3 of 1,487,082 alleles (0.0002%); highest among the groups gnomAD compares: South Asian, 0.0013%; no homozygotes.

Submissions (3):

ClinGen Myeloid Malignancy Variant Curation Expert Panel
Classification: Likely benign for Hereditary thrombocytopenia and hematologic cancer predisposition syndrome. Last evaluated: 2024-09-10. Review status: reviewed by expert panel. Criteria: ClinGen MyeloMalig ACMG Specifications v2. Collection method: curation. Allele origin: germline. Inheritance: Autosomal dominant inheritance.
Comment: NM_001754.5(RUNX1):c.1434G>A (p.Arg478=) is a synonymous variant which has a SpliceAI score ≤ 0.20 (0.0) (BP4). This variant has a SpliceAI score ≤ 0.20 (0.0) and evolutionary conservation algorithms predict the site as not being conserved (PhyloP score ≤ 2.0 (1.25)) (BP7). In summary, this variant meets criteria to be classified as likely benign. ACMG/AMP criteria applied, as specified by the Myeloid Malignancy Variant Curation Expert Panel for RUNX1: BP4, BP7.

Ambry Genetics
Classification: Likely benign for Inborn genetic diseases. Last evaluated: 2024-12-25. Review status: criteria provided, single submitter. Criteria: Ambry Variant Classification Scheme 2023. Collection method: clinical testing. Allele origin: germline. Not counted in ClinVar's aggregate classification.

Labcorp Genetics (formerly Invitae), Labcorp
Classification: Likely benign for Hereditary thrombocytopenia and hematological cancer predisposition syndrome associated with RUNX1. Last evaluated: 2022-12-16. Review status: criteria provided, single submitter. Criteria: Invitae Variant Classification Sherloc (09022015). Collection method: clinical testing. Allele origin: germline. Not counted in ClinVar's aggregate classification.

NM_001754.5(RUNX1):c.1434G>A (p.Arg478=)

Gene: RUNX1 (RUNX family transcription factor 1; minus strand). Cytogenetic location: 21q22.12.
Variant type: single nucleotide variant.
Coding change: c.1434G>A on transcript NM_001754.5 (MANE Select); coding-DNA position 1434, G replaced by A.
Protein change: p.Arg478=; no amino-acid change (arginine 478 retained).
Molecular consequence: synonymous variant.
Genome position (GRCh38, 1-based): chr21:34,792,144, C>T on the plus strand (G>A on the coding strand, the complement: RUNX1 is on the minus strand). VCF-style: chr21-34792144-C-T. GRCh37 (hg19) VCF-style: chr21-36164441-C-T.
Other names: NM_001754.5(RUNX1):c.1434G>A; p.Arg478=; c.1353G>A, p.Arg451= (NM_001001890.3).
Identifiers: ClinVar variation 2420452 (VCV002420452.9), dbSNP rs773869474, ClinGen allele CA10014172.